The following is an entry in ClinVar:

NM_001203.3(BMPR1B):c.1190T>C (p.Met397Thr)

Gene: BMPR1B (bone morphogenetic protein receptor type 1B; plus strand). Cytogenetic location: 4q22.3.
Variant type: single nucleotide variant.
Coding change: c.1190T>C on transcript NM_001203.3 (MANE Select); coding-DNA position 1190, T replaced by C.
Protein change: p.Met397Thr; replaces methionine 397 with threonine.
Molecular consequence: missense variant.
Genome position (GRCh38, 1-based): chr4:95,148,861, T>C. VCF-style: chr4-95148861-T-C. GRCh37 (hg19) VCF-style: chr4-96070012-T-C.
Other names: c.1190T>C, p.Met397Thr (NM_001256792.2, NM_001256794.1); c.1280T>C, p.Met427Thr (NM_001256793.2); short protein forms M427T, M397T.
Identifiers: ClinVar variation 2046596 (VCV002046596.4), dbSNP rs1734835445, ClinGen allele CA357685901.
Genomic context (GRCh38, chr4:95,148,861, plus strand): 5'-ATATGCCTCCAGAAGTGTTGGACGAGAGCTTGAACAGAAATCACTTCCAGTCTTACATCA[T>C]GGCTGACATGTATAGTTTTGGCCTCATCCTTTGGGAGGTTGCTAGGAGATGTGTATCAGG-3'
Protein context (NP_001194.1, residues 387-407): LNRNHFQSYI[Met397Thr]ADMYSFGLIL

ClinVar aggregate classification (germline): Uncertain significance (1 of 4 stars; one submission).

Conditions:
Acromesomelic dysplasia 3 (AMD3). Also called: CHONDRODYSPLASIA, ACROMESOMELIC, WITH OR WITHOUT GENITAL ANOMALIES; Acromesomelic dysplasia, Demirhan type. Identifiers: MedGen C4225404, MONDO:0012274, OMIM 609441.
Type A2 brachydactyly (BDA2). Also called: Brachymesophalangy type 2; MOHR-WRIEDT TYPE BRACHYDACTYLY; BRACHYMESOPHALANGY II. Identifiers: Orphanet 93396, MedGen C1832702, MONDO:0007216, OMIM 112600, HP:0009372.

Submission:

Labcorp Genetics (formerly Invitae), Labcorp
Classification: Uncertain significance for Type A2 brachydactyly; Acromesomelic dysplasia 3. Last evaluated: 2024-08-20. Review status: criteria provided, single submitter. Criteria: Invitae Variant Classification Sherloc (09022015). Collection method: clinical testing. Allele origin: germline.
Comment: This sequence change replaces methionine, which is neutral and non-polar, with threonine, which is neutral and polar, at codon 397 of the BMPR1B protein (p.Met397Thr). This variant is not present in population databases (gnomAD no frequency). This variant has not been reported in the literature in individuals affected with BMPR1B-related conditions. ClinVar contains an entry for this variant (Variation ID: 2046596). Invitae Evidence Modeling of protein sequence and biophysical properties (such as structural, functional, and spatial information, amino acid conservation, physicochemical variation, residue mobility, and thermodynamic stability) indicates that this missense variant is not expected to disrupt BMPR1B protein function with a negative predictive value of 80%. In summary, the available evidence is currently insufficient to determine the role of this variant in disease. Therefore, it has been classified as a Variant of Uncertain Significance.